The following is an entry in ClinVar:

ClinVar aggregate classification (germline): Conflicting classifications of pathogenicity. Review status: criteria provided, conflicting classifications (1 of 4 stars). 2 submissions from 2 submitters: Uncertain significance (1); Likely benign (1). Last evaluated 2023-09-17.

Allele frequency attached by ClinVar (database versions not stated): ExAC 0.00003; ESP Exome Variant Server 0.00008; gnomAD 0.00017.
gnomAD v4.1: 47 of 1,613,944 alleles (0.0029%); highest among the groups gnomAD compares: African/African-American, 0.061%; no homozygotes.

Submissions (2):

Labcorp Genetics (formerly Invitae), Labcorp
Classification: Uncertain significance. Last evaluated: 2023-09-17. Review status: criteria provided, single submitter. Criteria: Invitae Variant Classification Sherloc (09022015). Collection method: clinical testing. Allele origin: germline.
Comment: In summary, the available evidence is currently insufficient to determine the role of this variant in disease. Therefore, it has been classified as a Variant of Uncertain Significance. Advanced modeling of protein sequence and biophysical properties (such as structural, functional, and spatial information, amino acid conservation, physicochemical variation, residue mobility, and thermodynamic stability) performed at Invitae indicates that this missense variant is not expected to disrupt CPLANE1 protein function. ClinVar contains an entry for this variant (Variation ID: 2062450). This variant has not been reported in the literature in individuals affected with CPLANE1-related conditions. This sequence change replaces glutamic acid, which is acidic and polar, with aspartic acid, which is acidic and polar, at codon 1825 of the CPLANE1 protein (p.Glu1825Asp). This variant is present in population databases (rs150153090, gnomAD 0.05%).

Blueprint Genetics
Classification: Likely benign. Last evaluated: 2022-11-11. Review status: criteria provided, single submitter. Criteria: ACMG Guidelines, 2015. Collection method: clinical testing. Allele origin: germline.

NM_001384732.1(CPLANE1):c.5475G>C (p.Glu1825Asp)

Gene: CPLANE1 (ciliogenesis and planar polarity effector complex subunit 1; minus strand). Cytogenetic location: 5p13.2.
Variant type: single nucleotide variant.
Coding change: c.5475G>C on transcript NM_001384732.1 (MANE Select); coding-DNA position 5475, G replaced by C.
Protein change: p.Glu1825Asp; replaces glutamic acid 1825 with aspartic acid.
Molecular consequence: missense variant.
Genome position (GRCh38, 1-based): chr5:37,180,952, C>G on the plus strand (G>C on the coding strand, the complement: CPLANE1 is on the minus strand). VCF-style: chr5-37180952-C-G. GRCh37 (hg19) VCF-style: chr5-37181054-C-G.
Other names: c.5475G>C, p.Glu1825Asp (NM_023073.4); short protein forms E1825D.
Identifiers: ClinVar variation 2062450 (VCV002062450.3), dbSNP rs150153090, ClinGen allele CA3238531.